The following is an entry in ClinVar:

ClinVar aggregate classification (germline): Benign (0 of 4 stars; one submission).

Conditions:
HERC2-related disorder. Also called: HERC2-related condition.

Allele frequency attached by ClinVar (database versions not stated): gnomAD 0.07600; TOPMed 0.08590; 1000 Genomes Project 0.08626; ESP Exome Variant Server 0.09011; 1000 Genomes Project 30x 0.09088.
gnomAD v4.1: 22,540 of 1,607,846 alleles (1.4%); highest among the groups gnomAD compares: African/African-American, 27%; 2,849 homozygotes.

Submission:

PreventionGenetics, part of Exact Sciences
Classification: Benign for HERC2-related condition. Last evaluated: 2024-08-13. Review status: no assertion criteria provided. Collection method: clinical testing. Allele origin: germline.
Comment: This variant is classified as benign based on ACMG/AMP sequence variant interpretation guidelines (Richards et al. 2015 PMID: 25741868, with internal and published modifications).

NM_004667.6(HERC2):c.3235+10T>A

Gene: HERC2 (HECT and RLD domain containing E3 ubiquitin protein ligase 2; minus strand). Cytogenetic location: 15q13.1.
Variant type: single nucleotide variant.
Coding change: c.3235+10T>A on transcript NM_004667.6 (MANE Select); 10 bases into the intron after coding-DNA position 3235, T replaced by A.
Molecular consequence: intron variant.
Genome position (GRCh38, 1-based): chr15:28,248,542, A>T on the plus strand (T>A on the coding strand, the complement: HERC2 is on the minus strand). VCF-style: chr15-28248542-A-T. GRCh37 (hg19) VCF-style: chr15-28493688-A-T.
Identifiers: ClinVar variation 3056273 (VCV003056273.2), dbSNP rs57189560, ClinGen allele CA7442965.